The following is an entry in ClinVar:

ClinVar aggregate classification (germline): Pathogenic/Likely pathogenic. Review status: criteria provided, multiple submitters, no conflicts (2 of 4 stars). 2 submissions from 2 submitters: Pathogenic (1); Likely pathogenic (1). Last evaluated 2025-03-31.

Conditions:
Intellectual developmental disorder, X-linked 93. Also called: MENTAL RETARDATION, X-LINKED, WITH MACROCEPHALY; Intellectual disability, X-linked 93. Identifiers: MedGen C1970841, MONDO:0010393, OMIM 300659.
BRWD3- related syndromic intellectual disability.

Submissions (2):

Rady Children's Institute for Genomic Medicine, Rady Children's Hospital San Diego
Classification: Likely pathogenic for BRWD3- related syndromic intellectual disability. Last evaluated: 2025-03-31. Review status: criteria provided, single submitter. Criteria: ACMG Guidelines, 2015. Collection method: clinical testing. Allele origin: germline. Affected: yes.
Comment: This frameshifting variant in exon 8 of 41 is predicted to result in loss of normal protein function through either protein truncation or nonsense-mediated mRNA decay. The BRWD3 gene is constrained against loss-of-function variation (pLI = 1), and loss-of-function variation in BRWD3 is an established mechanism of disease in BRWD3-related syndromic intellectual disability (HGMD, ClinVar database; PMID: 17668385, 24462886, 28475857, 31714006, 30628072). This variant has not been previously reported or functionally characterized in the literature to our knowledge. The c.665_666del (p.Ser222CysfsTer2) variant is present in the latest version of the gnomAD population database at an allele frequency of 0.00008% (1/1211373) and thus is presumed to be rare. Based on the available evidence, c.665_666del (p.Ser222CysfsTer2) is classified as Likely Pathogenic.

Institute of Medical Genetics and Applied Genomics, University Hospital Tübingen
Classification: Pathogenic for Intellectual developmental disorder, X-linked 93. Last evaluated: 2024-10-14. Review status: criteria provided, single submitter. Criteria: ACMG Guidelines, 2015. Collection method: clinical testing. Allele origin: germline. Inheritance: X-linked recessive inheritance. Affected: yes.

Literature cited by the submitters: PubMed 17668385 (cited by Rady Children's Institute for Genomic Medicine, Rady Children's Hospital San Diego); PubMed 24462886 (cited by Rady Children's Institute for Genomic Medicine, Rady Children's Hospital San Diego); PubMed 28475857 (cited by Rady Children's Institute for Genomic Medicine, Rady Children's Hospital San Diego); PubMed 31714006 (cited by Rady Children's Institute for Genomic Medicine, Rady Children's Hospital San Diego); PubMed 30628072 (cited by Rady Children's Institute for Genomic Medicine, Rady Children's Hospital San Diego).

NM_153252.5(BRWD3):c.665_666del (p.Ser222fs)

Gene: BRWD3 (bromodomain and WD repeat domain containing 3; minus strand). Cytogenetic location: Xq21.1.
Variant type: Microsatellite.
Coding change: c.665_666del on transcript NM_153252.5 (MANE Select); coding-DNA positions 665 to 666, 2 bases deleted (CT; older notation c.665_666delCT).
Protein change: p.Ser222fs; shifts the reading frame from serine 222.
Molecular consequence: frameshift variant.
Genome position (GRCh38, 1-based): chrX:80,744,179-80,744,180, AG deleted on the plus strand (CT on the coding strand, the reverse complement: BRWD3 is on the minus strand); deleting any 2 consecutive bases within chrX:80,744,179-80,744,182 gives the same sequence; the c. name uses the placement nearest the transcript's 3' end. VCF-style (leftmost placement, unchanged base first): chrX-80744178-CAG-C. GRCh37 (hg19) VCF-style: chrX-79999677-CAG-C.
Other names: c.665_666del (NM_153252.4); short protein forms S222fs.
Identifiers: ClinVar variation 3362784 (VCV003362784.2).